The following is an entry in ClinVar:

ClinVar aggregate classification (germline): Conflicting classifications of pathogenicity. Review status: criteria provided, conflicting classifications (1 of 4 stars). 4 submissions from 4 submitters: Uncertain significance (1); Likely benign (2). 1 of the submissions does not count toward it. Last evaluated 2026-01-01.

Conditions:
ABCB7-related disorder. Also called: ABCB7-related condition.
Inborn genetic diseases. Identifiers: MedGen C0950123, MeSH D030342.

Allele frequency attached by ClinVar (database versions not stated): gnomAD 0.00005; gnomAD exomes 0.00005 and 0.00027; TOPMed 0.00010; ExAC 0.00040.
gnomAD v4.1: 57 of 1,201,298 alleles (0.0047%); highest among the groups gnomAD compares: Admixed American, 0.12%; no homozygotes.

Submissions (4):

CeGaT Center for Human Genetics Tuebingen
Classification: Likely benign. Last evaluated: 2026-01-01. Review status: criteria provided, single submitter. Criteria: CeGaT Center For Human Genetics Tuebingen Variant Classification Criteria Version 2. Collection method: clinical testing. Allele origin: germline. Affected: yes. Observed: 1 variant allele.
Comment: ABCB7: BS2

Labcorp Genetics (formerly Invitae), Labcorp
Classification: Likely benign. Last evaluated: 2025-10-11. Review status: criteria provided, single submitter. Criteria: Invitae Variant Classification Sherloc (09022015). Collection method: clinical testing. Allele origin: germline.

Ambry Genetics
Classification: Uncertain significance for Inborn genetic diseases. Last evaluated: 2022-05-31. Review status: criteria provided, single submitter. Criteria: Ambry Variant Classification Scheme 2023. Collection method: clinical testing. Allele origin: germline.

PreventionGenetics, part of Exact Sciences
Classification: Likely benign for ABCB7-related condition. Last evaluated: 2021-10-22. Review status: no assertion criteria provided. Collection method: clinical testing. Allele origin: germline. Not counted in ClinVar's aggregate classification.
Comment: This variant is classified as likely benign based on ACMG/AMP sequence variant interpretation guidelines (Richards et al. 2015 PMID: 25741868, with internal and published modifications).

NM_001271696.3(ABCB7):c.5C>T (p.Ala2Val)

Genes: ABCB7 (ATP binding cassette subfamily B member 7; minus strand), LOC130068449 (ATAC-STARR-seq lymphoblastoid active region 29770; plus strand). Cytogenetic location: Xq13.3.
Variant type: single nucleotide variant.
Coding change: c.5C>T on transcript NM_001271696.3 (MANE Select); coding-DNA position 5, C replaced by T.
Protein change: p.Ala2Val; replaces alanine 2 with valine.
Molecular consequence: missense variant.
Genome position (GRCh38, 1-based): chrX:75,156,268, G>A on the plus strand (C>T on the coding strand, the complement: ABCB7 is on the minus strand). VCF-style: chrX-75156268-G-A. GRCh37 (hg19) VCF-style: chrX-74376103-G-A.
Other names: c.5C>T (NM_004299.3); c.5C>T, p.Ala2Val (NM_001271697.3, NM_001271698.3, NM_001271699.3 and 1 more transcripts); short protein forms A2V.
Identifiers: ClinVar variation 716723 (VCV000716723.15), dbSNP rs759437344, ClinGen allele CA10455614.